The following is an entry in ClinVar:

ClinVar aggregate classification (germline): Uncertain significance (1 of 4 stars; one submission).

Conditions:
Pseudo-Hurler polydystrophy. Also called: ML III; ML III ALPHA/BETA; MUCOLIPIDOSIS IIIA; Type III Mucolipidosis; ML IIIA; Mucolipidosis III Alpha/Beta. Identifiers: Orphanet 423461, Orphanet 577, MedGen C0033788, MONDO:0018931, OMIM 252600.
Mucolipidosis type II. Also called: ML II ALPHA/BETA; Mucolipidosis 2; ML 2; Inclusion cell disease; Leroy Disease; N-acetylglucosamine 1phosphotransferase deficiency. Identifiers: Orphanet 576, MedGen C2673377, MONDO:0009650, OMIM 252500.

Submission:

Labcorp Genetics (formerly Invitae), Labcorp
Classification: Uncertain significance for Pseudo-Hurler polydystrophy; Mucolipidosis type II. Last evaluated: 2022-02-04. Review status: criteria provided, single submitter. Criteria: Invitae Variant Classification Sherloc (09022015). Collection method: clinical testing. Allele origin: germline.
Comment: A copy number gain of the genomic region encompassing the full coding sequence of the GNPTAB gene has been identified. The boundaries of this event are unknown as they extend beyond the assayed region for this gene and therefore may encompass additional genes. As the precise location of this event is unknown, it may be in tandem or it may be located elsewhere in the genome. This variant has not been reported in the literature in individuals affected with GNPTAB-related conditions. Experimental studies and prediction algorithms are not available or were not evaluated, and the functional significance of this variant is currently unknown. In summary, the available evidence is currently insufficient to determine the role of this variant in disease. Therefore, it has been classified as a Variant of Uncertain Significance.

NC_000012.11:g.(?_102140922)_(102224473_?)dup

Gene: GNPTAB (N-acetylglucosamine-1-phosphate transferase subunits alpha and beta; minus strand). Cytogenetic location: 12q23.2.
Variant type: Duplication.
Identifiers: ClinVar variation 1412383 (VCV001412383.4).